The following is an entry in ClinVar:

ClinVar aggregate classification (germline): Likely benign. Review status: criteria provided, multiple submitters, no conflicts (2 of 4 stars). 3 submissions from 3 submitters: Likely benign (3). Last evaluated 2025-09-12.

Conditions:
PROM1-related disorder. Also called: PROM1-related disorders; PROM1-related condition.

Allele frequency attached by ClinVar (database versions not stated): gnomAD 0.00001; gnomAD exomes 0.00001 and 0.00004; ExAC 0.00004; TOPMed 0.00005.
gnomAD v4.1: 18 of 1,613,850 alleles (0.0011%); highest among the groups gnomAD compares: Admixed American, 0.018%; 1 homozygote.

Submissions (3):

PreventionGenetics, part of Exact Sciences
Classification: Likely benign for PROM1-related condition. Last evaluated: 2025-09-12. Review status: criteria provided, single submitter. Criteria: ACMG Guidelines, 2015. Collection method: clinical testing. Allele origin: germline.
Comment: This variant is classified as likely benign based on ACMG/AMP sequence variant interpretation guidelines (Richards et al. 2015 PMID: 25741868, with internal and published modifications).

Labcorp Genetics (formerly Invitae), Labcorp
Classification: Likely benign. Last evaluated: 2025-05-20. Review status: criteria provided, single submitter. Criteria: Invitae Variant Classification Sherloc (09022015). Collection method: clinical testing. Allele origin: germline.

Blueprint Genetics
Classification: Likely benign. Last evaluated: 2022-06-09. Review status: criteria provided, single submitter. Criteria: ACMG Guidelines, 2015. Collection method: clinical testing. Allele origin: germline.

NM_006017.3(PROM1):c.1722C>T (p.His574=)

Gene: PROM1 (prominin 1; minus strand). Cytogenetic location: 4p15.32.
Variant type: single nucleotide variant.
Coding change: c.1722C>T on transcript NM_006017.3 (MANE Select); coding-DNA position 1722, C replaced by T.
Protein change: p.His574=; no amino-acid change (histidine 574 retained).
Molecular consequence: synonymous variant.
Genome position (GRCh38, 1-based): chr4:15,994,032, G>A on the plus strand (C>T on the coding strand, the complement: PROM1 is on the minus strand). VCF-style: chr4-15994032-G-A. GRCh37 (hg19) VCF-style: chr4-15995655-G-A.
Other names: c.1695C>T, p.His565= (NM_001145847.2, NM_001145848.2, NM_001145851.2 and 4 more transcripts); c.1722C>T, p.His574= (NM_001145849.2, NM_001145850.2); c.1722C>T (NM_006017.2).
Identifiers: ClinVar variation 1659823 (VCV001659823.10), dbSNP rs769250596, ClinGen allele CA2866659.
Genomic context (GRCh38, chr4:15,994,032, plus strand): 5'-ACGAGTTCTAATTACCTCATTAATGTTGAGATGTTCACTGATATTGAAGCTGTTCTGCAG[G>A]TGAAGAGTGCCGTAAGTGCCTCTATTTTTTTTGCAGTCACTGTGGGAATGAACAGAGAAA-3'
Protein context (NP_006008.1, residues 564-584): KKNRGTYGTL[His574=]LQNSFNISEH